The following is an entry in ClinVar:

ClinVar aggregate classification (germline): Conflicting classifications of pathogenicity. Review status: criteria provided, conflicting classifications (1 of 4 stars). 14 submissions from 14 submitters: Uncertain significance (8); Likely benign (2). 4 of the submissions do not count toward it. Last evaluated 2026-06-30.

Conditions:
Hearing impairment. Also called: Impaired Hearing. Identifiers: MedGen C1384666, MONDO:0005365, HP:0000365.
COL11A2-related disorder. Also called: COL11A2-related disorders; COL11A2-related condition.
Connective tissue disorder. Also called: Connective tissue disease. Identifiers: MedGen C0009782, MONDO:0003900.

Allele frequency attached by ClinVar (database versions not stated): ExAC 0.00012; gnomAD exomes 0.00017 and 0.00047; TOPMed 0.00027; gnomAD 0.00029 and 0.00031; ESP Exome Variant Server 0.00054.
gnomAD v4.1: 719 of 1,613,916 alleles (0.045%); highest among the groups gnomAD compares: Non-Finnish European, 0.059%; 1 homozygote.

Submissions (14):

PreventionGenetics, part of Exact Sciences
Classification: Uncertain significance for COL11A2-related condition. Last evaluated: 2026-06-30. Review status: criteria provided, single submitter. Criteria: ACMG Guidelines, 2015. Collection method: clinical testing. Allele origin: germline.
Comment: The COL11A2 c.2555G>A variant is predicted to result in the amino acid substitution p.Arg852Gln. To our knowledge, this variant has not been reported in the literature. This variant is reported in 0.036% of alleles in individuals of European (Non-Finnish) descent in gnomAD. At this time, the clinical significance of this variant is uncertain due to the absence of conclusive functional and genetic evidence.

Women's Health and Genetics/Laboratory Corporation of America, LabCorp
Classification: Uncertain significance. Last evaluated: 2026-01-14. Review status: criteria provided, single submitter. Criteria: LabCorp Variant Classification Summary - May 2015. Collection method: clinical testing. Allele origin: germline.
Comment: Variant summary: COL11A2 c.2555G>A (p.Arg852Gln) results in a conservative amino acid change in the encoded protein sequence. Algorithms developed to predict the effect of missense changes on protein structure and function are either unavailable or do not agree on the potential impact of this missense change. The variant allele was found at a frequency of 0.00017 in 251320 control chromosomes. This frequency is not significantly higher than estimated for disease-causing variants in COL11A2, allowing no conclusion about variant significance. To our knowledge, no occurrence of c.2555G>A in individuals affected with COL11A2-related conditions and no experimental evidence demonstrating its impact on protein function have been reported. ClinVar contains an entry for this variant (Variation ID: 426242). Based on the evidence outlined above, the variant was classified as uncertain significance.

Labcorp Genetics (formerly Invitae), Labcorp
Classification: Likely benign. Last evaluated: 2025-12-29. Review status: criteria provided, single submitter. Criteria: Invitae Variant Classification Sherloc (09022015). Collection method: clinical testing. Allele origin: germline.

GeneDx
Classification: Uncertain significance. Last evaluated: 2024-12-26. Review status: criteria provided, single submitter. Criteria: GeneDx Variant Classification Process June 2021. Collection method: clinical testing. Allele origin: germline. Affected: yes.
Comment: Has not been previously published in association with a COL11A2-related disorder to our knowledge; In silico analysis indicates that this missense variant does not alter protein structure/function; This variant is associated with the following publications: (PMID: 34226706)

Blueprint Genetics
Classification: Likely benign. Last evaluated: 2024-11-19. Review status: criteria provided, single submitter. Criteria: ACMG Guidelines, 2015. Collection method: clinical testing. Allele origin: germline.

ARUP Laboratories, Molecular Genetics and Genomics, ARUP Laboratories
Classification: Uncertain significance. Last evaluated: 2024-06-03. Review status: criteria provided, single submitter. Criteria: ARUP Molecular Germline Variant Investigation Process 2024. Collection method: clinical testing. Allele origin: germline.
Comment: The COL11A2 c.2555G>A; p.Arg852Gln variant (rs147927477), to our knowledge, is not reported in the medical literature but is reported in ClinVar (Variation ID: 426242). This variant is found in the non-Finnish European population with an allele frequency of 0.04% (46/129,046 alleles) in the Genome Aggregation Database (v2.1.1). Computational analyses are uncertain whether this variant is neutral or deleterious (REVEL: 0.256). Due to limited information, the clinical significance of this variant is uncertain at this time.

Department of Otolaryngology – Head & Neck Surgery, Cochlear Implant Center
Classification: Uncertain significance for Hearing impairment. Last evaluated: 2021-04-12. Review status: criteria provided, single submitter. Criteria: ClinGen HL ACMG Specifications v1. Collection method: clinical testing. Allele origin: germline. Affected: yes.
Comment: PM2_Moderate, PP3_Supporting

CeGaT Center for Human Genetics Tuebingen
Classification: Uncertain significance. Last evaluated: 2018-10-01. Review status: criteria provided, single submitter. Criteria: CeGaT Center For Human Genetics Tuebingen Variant Classification Criteria Version 2. Collection method: clinical testing. Allele origin: germline. Affected: yes. Observed: 1 variant allele.

Laboratory for Molecular Medicine, Mass General Brigham Personalized Medicine
Classification: Uncertain significance. Last evaluated: 2017-07-27. Review status: criteria provided, single submitter. Criteria: LMM Criteria. Collection method: clinical testing. Allele origin: germline. Observed: 2 variant alleles.
Comment: The p.Arg852Gln variant in COL11A2 has not been previously reported in individua ls with hearing loss, but has been identified in 46/ 126614 European chromosomes by the Genome Aggregation Database (gnomAD; d bSNP rs147927477). Although this variant has been seen in the general population , its frequency is not high enough to rule out a pathogenic role. Computational prediction tools and conservation analysis suggest that this variant may impact the protein, though this information is not predictive enough to determine patho genicity. In summary, the clinical significance of the p.Arg852Gln variant is un certain.

Center for Human Genetics, Inc
Classification: Uncertain significance for Connective tissue disorder. Last evaluated: 2016-11-01. Review status: criteria provided, single submitter. Criteria: ACMG Guidelines, 2015. Collection method: clinical testing. Allele origin: germline. Affected: yes.

Clinical Genetics DNA and cytogenetics Diagnostics Lab, Erasmus MC, Erasmus Medical Center
Classification: Uncertain significance. Review status: no assertion criteria provided. Collection method: clinical testing. Allele origin: germline. Affected: yes. Study: VKGL Data-share Consensus. Not counted in ClinVar's aggregate classification.

Diagnostic Laboratory, Department of Genetics, University Medical Center Groningen
Classification: Uncertain significance. Review status: no assertion criteria provided. Collection method: clinical testing. Allele origin: germline. Affected: yes. Study: VKGL Data-share Consensus. Not counted in ClinVar's aggregate classification.

Joint Genome Diagnostic Labs from Nijmegen and Maastricht, Radboudumc and MUMC+
Classification: Uncertain significance. Review status: no assertion criteria provided. Collection method: clinical testing. Allele origin: germline. Affected: yes. Study: VKGL Data-share Consensus. Not counted in ClinVar's aggregate classification.

Laboratory of Diagnostic Genome Analysis, Leiden University Medical Center (LUMC)
Classification: Uncertain significance. Review status: no assertion criteria provided. Collection method: clinical testing. Allele origin: germline. Affected: yes. Study: VKGL Data-share Consensus. Not counted in ClinVar's aggregate classification.

NM_080680.3(COL11A2):c.2555G>A (p.Arg852Gln)

Gene: COL11A2 (collagen type XI alpha 2 chain; minus strand). Cytogenetic location: 6p21.32.
Variant type: single nucleotide variant.
Coding change: c.2555G>A on transcript NM_080680.3 (MANE Select); coding-DNA position 2555, G replaced by A.
Protein change: p.Arg852Gln; replaces arginine 852 with glutamine.
Molecular consequence: missense variant.
Genome position (GRCh38, 1-based): chr6:33,173,901, C>T on the plus strand (G>A on the coding strand, the complement: COL11A2 is on the minus strand). VCF-style: chr6-33173901-C-T. GRCh37 (hg19) VCF-style: chr6-33141678-C-T.
Other names: c.2234G>A, p.Arg745Gln (NM_080679.3); c.2297G>A, p.Arg766Gln (NM_080681.3); short protein forms R852Q, R766Q, R745Q.
Identifiers: ClinVar variation 426242 (VCV000426242.75), dbSNP rs147927477, ClinGen allele CA3750846.
Genomic context (GRCh38, chr6:33,173,901, plus strand): 5'-GGGGCAGTTGGAGCCTTGTAGAGACCATTCACCTTAGCTCCAGACTTCCCAGTGGCACCT[C>T]GGGGTCCCCGCTGACCCCGTGGACCCTACAGAGGGAAGAGGAGTTGTCAGAGAAACCCAA-3'
Protein context (NP_542411.2, residues 842-862): PTGPRGQRGP[Arg852Gln]GATGKSGAKG